The following is an entry in ClinVar:

ClinVar aggregate classification (germline): Uncertain significance (1 of 4 stars; one submission).

Submission:

Labcorp Genetics (formerly Invitae), Labcorp
Classification: Uncertain significance. Last evaluated: 2022-03-11. Review status: criteria provided, single submitter. Criteria: Invitae Variant Classification Sherloc (09022015). Collection method: clinical testing. Allele origin: germline.
Comment: In summary, the available evidence is currently insufficient to determine the role of this variant in disease. Therefore, it has been classified as a Variant of Uncertain Significance. This variant is not present in population databases (gnomAD no frequency). This variant has not been reported in the literature in individuals affected with LIG1-related conditions. Algorithms developed to predict the effect of missense changes on protein structure and function are either unavailable or do not agree on the potential impact of this missense change (SIFT: "Deleterious"; PolyPhen-2: "Benign"; Align-GVGD: "Class C0"). This sequence change replaces glutamic acid, which is acidic and polar, with glutamine, which is neutral and polar, at codon 213 of the LIG1 protein (p.Glu213Gln).

NM_000234.3(LIG1):c.637G>C (p.Glu213Gln)

Gene: LIG1 (DNA ligase 1; minus strand). Cytogenetic location: 19q13.33.
Variant type: single nucleotide variant.
Coding change: c.637G>C on transcript NM_000234.3 (MANE Select); coding-DNA position 637, G replaced by C.
Protein change: p.Glu213Gln; replaces glutamic acid 213 with glutamine.
Molecular consequence: missense variant. On other transcripts: non-coding transcript variant (6).
Genome position (GRCh38, 1-based): chr19:48,150,148, C>G on the plus strand (G>C on the coding strand, the complement: LIG1 is on the minus strand). VCF-style: chr19-48150148-C-G. GRCh37 (hg19) VCF-style: chr19-48653405-C-G.
Other names: c.544G>C, p.Glu182Gln (NM_001289063.2); c.433G>C, p.Glu145Gln (NM_001289064.2); c.634G>C, p.Glu212Gln (NM_001320970.2); c.547G>C, p.Glu183Gln (NM_001320971.2); short protein forms E182Q, E183Q, E145Q, E213Q, E212Q.
Identifiers: ClinVar variation 1905904 (VCV001905904.5), dbSNP rs2514241054, ClinGen allele CA406654970.
Genomic context (GRCh38, chr19:48,150,148, plus strand): 5'-TGAAGAAGCTGCTGAGCGTCTTGGGAGCTCTGCGGGGAGGCTTGGTCTGCTCTTCCTCCT[C>G]CTGCAGTTCCTGCTTCGTGGCCACCTCAGGCTCTGAAACGCTTTCCGTCGGGGTCTCTGC-3'
Protein context (NP_000225.1, residues 203-223): PEVATKQELQ[Glu213Gln]EEEQTKPPRR